The following is an entry in ClinVar:

ClinVar aggregate classification (germline): Uncertain significance. Review status: criteria provided, multiple submitters, no conflicts (2 of 4 stars). 2 submissions from 2 submitters: Uncertain significance (2). Last evaluated 2025-05-18.

Conditions:
Inborn genetic diseases. Identifiers: MedGen C0950123, MeSH D030342.

Allele frequency attached by ClinVar (database versions not stated): gnomAD 0.00001; ESP Exome Variant Server 0.00008.
gnomAD v4.1: 11 of 1,614,058 alleles (0.00068%); highest among the groups gnomAD compares: Admixed American, 0.0017%; no homozygotes.

Submissions (2):

Ambry Genetics
Classification: Uncertain significance for Inborn genetic diseases. Last evaluated: 2025-05-18. Review status: criteria provided, single submitter. Criteria: Ambry Variant Classification Scheme 2023. Collection method: clinical testing. Allele origin: germline.

Labcorp Genetics (formerly Invitae), Labcorp
Classification: Uncertain significance. Last evaluated: 2022-07-14. Review status: criteria provided, single submitter. Criteria: Invitae Variant Classification Sherloc (09022015). Collection method: clinical testing. Allele origin: germline.
Comment: This variant has not been reported in the literature in individuals affected with DHCR24-related conditions. In summary, the available evidence is currently insufficient to determine the role of this variant in disease. Therefore, it has been classified as a Variant of Uncertain Significance. Algorithms developed to predict the effect of missense changes on protein structure and function are either unavailable or do not agree on the potential impact of this missense change (SIFT: "Deleterious"; PolyPhen-2: "Possibly Damaging"; Align-GVGD: "Class C0"). The frequency data for this variant in the population databases is considered unreliable, as metrics indicate poor data quality at this position in the gnomAD database. This sequence change replaces arginine, which is basic and polar, with histidine, which is basic and polar, at codon 230 of the DHCR24 protein (p.Arg230His).

NM_014762.4(DHCR24):c.689G>A (p.Arg230His)

Gene: DHCR24 (24-dehydrocholesterol reductase; minus strand). Cytogenetic location: 1p32.3.
Variant type: single nucleotide variant.
Coding change: c.689G>A on transcript NM_014762.4 (MANE Select); coding-DNA position 689, G replaced by A.
Protein change: p.Arg230His; replaces arginine 230 with histidine.
Molecular consequence: missense variant.
Genome position (GRCh38, 1-based): chr1:54,871,537, C>T on the plus strand (G>A on the coding strand, the complement: DHCR24 is on the minus strand). VCF-style: chr1-54871537-C-T. GRCh37 (hg19) VCF-style: chr1-55337210-C-T.
Other names: c.689G>A (NM_014762.3); short protein forms R230H.
Identifiers: ClinVar variation 1954227 (VCV001954227.6), dbSNP rs139813073, ClinGen allele CA870749.